The following is an entry in ClinVar:

ClinVar aggregate classification (germline): Pathogenic (1 of 4 stars; one submission).

Submission:

GeneDx
Classification: Pathogenic. Last evaluated: 2023-02-01. Review status: criteria provided, single submitter. Criteria: GeneDx Variant Classification Process June 2021. Collection method: clinical testing. Allele origin: germline. Affected: yes.
Comment: Frameshift variant predicted to result in protein truncation or nonsense mediated decay in a gene for which loss of function is a known mechanism of disease; Not observed at significant frequency in large population cohorts (gnomAD); Has not been previously published as pathogenic or benign to our knowledge

NM_001083962.2(TCF4):c.1144_1145del (p.Leu382fs)

Gene: TCF4 (transcription factor 4; minus strand). Cytogenetic location: 18q21.2.
Variant type: Deletion.
Coding change: c.1144_1145del on transcript NM_001083962.2 (MANE Select); coding-DNA positions 1144 to 1145, 2 bases deleted (TT; older notation c.1144_1145delTT).
Protein change: p.Leu382fs; shifts the reading frame from leucine 382.
Molecular consequence: frameshift variant.
Genome position (GRCh38, 1-based): chr18:55,257,316-55,257,317, AA deleted on the plus strand (TT on the coding strand, the reverse complement: TCF4 is on the minus strand); deleting any 2 consecutive bases within chr18:55,257,316-55,257,318 gives the same sequence; the c. name uses the placement nearest the transcript's 3' end. VCF-style (leftmost placement, unchanged base first): chr18-55257315-CAA-C. GRCh37 (hg19) VCF-style: chr18-52924546-CAA-C.
Other names: c.1450_1451del, p.Leu484fs (NM_001243226.3); c.1072_1073del, p.Leu358fs (NM_001243227.2, NM_001306207.1, NM_001348217.1 and 5 more transcripts); c.1162_1163del, p.Leu388fs (NM_001243228.2); c.1135_1136del, p.Leu379fs (NM_001243230.2); c.1018_1019del, p.Leu340fs (NM_001243231.2, NM_001348211.2); c.931_932del, p.Leu311fs (NM_001243232.1, NM_001306208.1); c.754_755del, p.Leu252fs (NM_001243233.2, NM_001330605.3, NM_001348212.2 and 1 more transcripts); c.664_665del, p.Leu222fs (NM_001243234.2, NM_001243235.2, NM_001243236.2 and 1 more transcripts); and 6 more; short protein forms L166fs, L221fs, L222fs, L252fs, L311fs, L340fs, L357fs, L358fs.
Identifiers: ClinVar variation 2428957 (VCV002428957.3), dbSNP rs2512178640, ClinGen allele CA2580095921.
Genomic context (GRCh38, chr18:55,257,315, plus strand): 5'-TGAACAAGAAAGAACATGACCTGAAAATGGGTGGGACAGAGATTAGCAAATGAGACATAC[CAA>C]AGAGTGTAAGGGTCCTTCATAATTAGGAGACGATGAGGCCTGTCCTCCATTTCTAGACCA-3'